The following is an entry in ClinVar:

NM_001375524.1(TRRAP):c.8826+8C>T

Gene: TRRAP (transformation/transcription domain associated protein; plus strand). Cytogenetic location: 7q22.1.
Variant type: single nucleotide variant.
Coding change: c.8826+8C>T on transcript NM_001375524.1 (MANE Select); 8 bases into the intron after coding-DNA position 8826, C replaced by T.
Molecular consequence: intron variant.
Genome position (GRCh38, 1-based): chr7:98,981,968, C>T. VCF-style: chr7-98981968-C-T. GRCh37 (hg19) VCF-style: chr7-98579591-C-T.
Other names: c.8751+8C>T (NM_003496.3, NM_003496.4); c.8805+8C>T (NM_001244580.2).
Identifiers: ClinVar variation 2414725 (VCV002414725.7), dbSNP rs375546769, ClinGen allele CA4361544.

ClinVar aggregate classification (germline): Likely benign. Review status: criteria provided, multiple submitters, no conflicts (2 of 4 stars). 2 submissions from 2 submitters: Likely benign (2). Last evaluated 2026-07-10.

Conditions:
TRRAP-related disorder. Also called: TRRAP-related condition.

Allele frequency attached by ClinVar (database versions not stated): gnomAD exomes 0.00003; ExAC 0.00005; ESP Exome Variant Server 0.00008.
gnomAD v4.1: 50 of 1,567,278 alleles (0.0032%); highest among the groups gnomAD compares: African/African-American, 0.029%; no homozygotes.

Submissions (2):

PreventionGenetics, part of Exact Sciences
Classification: Likely benign for TRRAP-related condition. Last evaluated: 2026-07-10. Review status: criteria provided, single submitter. Criteria: ACMG Guidelines, 2015. Collection method: clinical testing. Allele origin: germline.
Comment: This variant is classified as likely benign based on ACMG/AMP sequence variant interpretation guidelines (Richards et al. 2015 PMID: 25741868, with internal and published modifications).

Labcorp Genetics (formerly Invitae), Labcorp
Classification: Likely benign. Last evaluated: 2025-05-26. Review status: criteria provided, single submitter. Criteria: Invitae Variant Classification Sherloc (09022015). Collection method: clinical testing. Allele origin: germline.